The following is an entry in ClinVar:

NM_004517.4(ILK):c.1296C>T (p.Asp432=)

Genes: ILK (integrin linked kinase; plus strand), TAF10 (TATA-box binding protein associated factor 10; minus strand). Cytogenetic location: 11p15.4.
Variant type: single nucleotide variant.
Coding change: c.1296C>T on transcript NM_004517.4 (MANE Select); coding-DNA position 1296, C replaced by T.
Protein change: p.Asp432=; no amino-acid change (aspartic acid 432 retained).
Molecular consequence: synonymous variant. On other transcripts: 3 prime UTR variant (1).
Genome position (GRCh38, 1-based): chr11:6,610,548, C>T. VCF-style: chr11-6610548-C-T. GRCh37 (hg19) VCF-style: chr11-6631779-C-T.
Other names: c.1296C>T, p.Asp432= (NM_001014794.3, NM_001014795.3); c.1113C>T, p.Asp371= (NM_001278441.2); c.894C>T, p.Asp298= (NM_001278442.2); c.*374G>A (NM_006284.4).
Identifiers: ClinVar variation 387389 (VCV000387389.10), dbSNP rs765285266, ClinGen allele CA5858350.

ClinVar aggregate classification (germline): Likely benign. Review status: criteria provided, multiple submitters, no conflicts (2 of 4 stars). 2 submissions from 2 submitters: Likely benign (2). Last evaluated 2026-02-03.

Conditions:
Primary familial hypertrophic cardiomyopathy (HCM). Identifiers: Orphanet 99739, MedGen C0949658, MeSH D024741, MONDO:0024573. Inheritance: Various modes of inheritance.

Allele frequency attached by ClinVar (database versions not stated): TOPMed 0.00002; gnomAD exomes 0.00008; ExAC 0.00009.
gnomAD v4.1: 20 of 1,614,206 alleles (0.0012%); highest among the groups gnomAD compares: Admixed American, 0.033%; no homozygotes.

Submissions (2):

Labcorp Genetics (formerly Invitae), Labcorp
Classification: Likely benign for Primary familial hypertrophic cardiomyopathy. Last evaluated: 2026-02-03. Review status: criteria provided, single submitter. Criteria: Invitae Variant Classification Sherloc (09022015). Collection method: clinical testing. Allele origin: germline.

GeneDx
Classification: Likely benign. Last evaluated: 2016-07-05. Review status: criteria provided, single submitter. Criteria: GeneDx Variant Classification (06012015). Collection method: clinical testing. Allele origin: germline. Affected: yes.
Comment: This variant is considered likely benign or benign based on one or more of the following criteria: it is a conservative change, it occurs at a poorly conserved position in the protein, it is predicted to be benign by multiple in silico algorithms, and/or has population frequency not consistent with disease.